The following is an entry in ClinVar:

ClinVar aggregate classification (germline): Uncertain significance (1 of 4 stars; one submission).

Conditions:
Hereditary cancer-predisposing syndrome. Also called: Neoplastic Syndromes, Hereditary; Tumor predisposition; Hereditary neoplastic syndrome; Hereditary Cancer Syndrome. Identifiers: Orphanet 140162, MedGen C0027672, MeSH D009386, MONDO:0015356.

Submission:

Ambry Genetics
Classification: Uncertain significance for Hereditary cancer-predisposing syndrome. Last evaluated: 2026-07-07. Review status: criteria provided, single submitter. Criteria: Ambry Variant Classification Scheme 2023. Collection method: clinical testing. Allele origin: germline.
Comment: The p.L57W variant (also known as c.170T>G), located in coding exon 1 of the PRKAR1A gene, results from a T to G substitution at nucleotide position 170. The leucine at codon 57 is replaced by tryptophan, an amino acid with similar properties. This amino acid position is conserved. In addition, this alteration is predicted to be deleterious by in silico analysis. Based on the available evidence, the clinical significance of this variant remains unclear.

NM_002734.5(PRKAR1A):c.170T>G (p.Leu57Trp)

Gene: PRKAR1A (protein kinase cAMP-dependent type I regulatory subunit alpha; plus strand). Cytogenetic location: 17q24.2.
Variant type: single nucleotide variant.
Coding change: c.170T>G on transcript NM_002734.5 (MANE Select); coding-DNA position 170, T replaced by G.
Protein change: p.Leu57Trp; replaces leucine 57 with tryptophan.
Molecular consequence: missense variant.
Genome position (GRCh38, 1-based): chr17:68,515,569, T>G. VCF-style: chr17-68515569-T-G. GRCh37 (hg19) VCF-style: chr17-66511710-T-G.
Other names: c.170T>G, p.Leu57Trp (NM_001369390.1, NM_212471.3, NM_212472.2 and 4 more transcripts); short protein forms L57W.
Identifiers: ClinVar variation 5027335 (VCV005027335.1).